The following is an entry in ClinVar:

NM_177972.3(TUB):c.1147C>T (p.Arg383Trp)

Genes: RIC3 (RIC3 acetylcholine receptor chaperone; minus strand), TUB (TUB bipartite transcription factor; plus strand). Cytogenetic location: 11p15.4.
Variant type: single nucleotide variant.
Coding change: c.1147C>T on transcript NM_177972.3 (MANE Select); coding-DNA position 1147, C replaced by T.
Protein change: p.Arg383Trp; replaces arginine 383 with tryptophan.
Molecular consequence: missense variant.
Genome position (GRCh38, 1-based): chr11:8,100,533, C>T. VCF-style: chr11-8100533-C-T. GRCh37 (hg19) VCF-style: chr11-8122080-C-T.
Other names: c.1312C>T, p.Arg438Trp (NM_003320.5); short protein forms R383W, R438W.
Identifiers: ClinVar variation 856268 (VCV000856268.8), dbSNP rs779602724, ClinGen allele CA5871380.

ClinVar aggregate classification (germline): Uncertain significance. Review status: criteria provided, multiple submitters, no conflicts (2 of 4 stars). 2 submissions from 2 submitters: Uncertain significance (2). Last evaluated 2021-08-30.

Allele frequency attached by ClinVar (database versions not stated): TOPMed below 0.00001; gnomAD 0.00001 and 0.00002; ExAC 0.00002; gnomAD exomes 0.00002.
gnomAD v4.1: 44 of 1,613,972 alleles (0.0027%); highest among the groups gnomAD compares: Non-Finnish European, 0.0031%; no homozygotes.

Submissions (2):

Labcorp Genetics (formerly Invitae), Labcorp
Classification: Uncertain significance. Last evaluated: 2021-08-30. Review status: criteria provided, single submitter. Criteria: Invitae Variant Classification Sherloc (09022015). Collection method: clinical testing. Allele origin: germline.
Comment: This sequence change replaces arginine with tryptophan at codon 438 of the TUB protein (p.Arg438Trp). The arginine residue is highly conserved and there is a moderate physicochemical difference between arginine and tryptophan. This variant is present in population databases (rs779602724, ExAC 0.006%). This variant has not been reported in the literature in individuals affected with TUB-related conditions. Algorithms developed to predict the effect of missense changes on protein structure and function are either unavailable or do not agree on the potential impact of this missense change (SIFT: "Deleterious"; PolyPhen-2: "Probably Damaging"; Align-GVGD: "Class C0"). In summary, the available evidence is currently insufficient to determine the role of this variant in disease. Therefore, it has been classified as a Variant of Uncertain Significance.

Blueprint Genetics
Classification: Uncertain significance. Last evaluated: 2019-07-18. Review status: criteria provided, single submitter. Criteria: ACMG Guidelines, 2015. Collection method: clinical testing. Allele origin: germline.